The following is an entry in ClinVar:

NM_032119.4(ADGRV1):c.13529G>A (p.Ser4510Asn)

Gene: ADGRV1 (adhesion G protein-coupled receptor V1; plus strand). Cytogenetic location: 5q14.3.
Variant type: single nucleotide variant.
Coding change: c.13529G>A on transcript NM_032119.4 (MANE Select); coding-DNA position 13529, G replaced by A.
Protein change: p.Ser4510Asn; replaces serine 4510 with asparagine.
Molecular consequence: missense variant. On other transcripts: non-coding transcript variant (1).
Genome position (GRCh38, 1-based): chr5:90,783,933, G>A. VCF-style: chr5-90783933-G-A. GRCh37 (hg19) VCF-style: chr5-90079750-G-A.
Other names: short protein forms S4510N.
Identifiers: ClinVar variation 1003597 (VCV001003597.9), dbSNP rs1759141533, ClinGen allele CA360394929.

ClinVar aggregate classification (germline): Uncertain significance (1 of 4 stars; one submission).

Submission:

Labcorp Genetics (formerly Invitae), Labcorp
Classification: Uncertain significance. Last evaluated: 2020-01-21. Review status: criteria provided, single submitter. Criteria: Invitae Variant Classification Sherloc (09022015). Collection method: clinical testing. Allele origin: germline.
Comment: In summary, the available evidence is currently insufficient to determine the role of this variant in disease. Therefore, it has been classified as a Variant of Uncertain Significance. Algorithms developed to predict the effect of missense changes on protein structure and function output the following: SIFT: "Tolerated"; PolyPhen-2: "Benign"; Align-GVGD: "Class C0". The asparagine amino acid residue is found in multiple mammalian species, suggesting that this missense change does not adversely affect protein function. These predictions have not been confirmed by published functional studies and their clinical significance is uncertain. This variant has not been reported in the literature in individuals with ADGRV1-related conditions. This variant is not present in population databases (ExAC no frequency). This sequence change replaces serine with asparagine at codon 4510 of the ADGRV1 protein (p.Ser4510Asn). The serine residue is moderately conserved and there is a small physicochemical difference between serine and asparagine.